The following is an entry in ClinVar:

ClinVar aggregate classification (germline): Uncertain significance (1 of 4 stars; one submission).

Conditions:
Renal cell carcinoma. Identifiers: Orphanet 217071, MedGen C0007134, MeSH D002292, MONDO:0005086, HP:0005584.

Submission:

Labcorp Genetics (formerly Invitae), Labcorp
Classification: Uncertain significance for Renal cell carcinoma. Last evaluated: 2024-10-11. Review status: criteria provided, single submitter. Criteria: Invitae Variant Classification Sherloc (09022015). Collection method: clinical testing. Allele origin: germline.
Comment: This sequence change replaces asparagine, which is neutral and polar, with lysine, which is basic and polar, at codon 23 of the MET protein (p.Asn23Lys). This variant is not present in population databases (gnomAD no frequency). This variant has not been reported in the literature in individuals affected with MET-related conditions. Invitae Evidence Modeling of protein sequence and biophysical properties (such as structural, functional, and spatial information, amino acid conservation, physicochemical variation, residue mobility, and thermodynamic stability) indicates that this missense variant is not expected to disrupt MET protein function with a negative predictive value of 80%. In summary, the available evidence is currently insufficient to determine the role of this variant in disease. Therefore, it has been classified as a Variant of Uncertain Significance.

NM_000245.4(MET):c.69T>G (p.Asn23Lys)

Gene: MET (MET proto-oncogene, receptor tyrosine kinase; plus strand). Cytogenetic location: 7q31.2.
Variant type: single nucleotide variant.
Coding change: c.69T>G on transcript NM_000245.4 (MANE Select); coding-DNA position 69, T replaced by G.
Protein change: p.Asn23Lys; replaces asparagine 23 with lysine.
Molecular consequence: missense variant. On other transcripts: intron variant (1).
Genome position (GRCh38, 1-based): chr7:116,699,153, T>G. VCF-style: chr7-116699153-T-G. GRCh37 (hg19) VCF-style: chr7-116339207-T-G.
Other names: c.69T>G, p.Asn23Lys (NM_001127500.3, NM_001324401.3); c.-91+26576T>G (NM_001324402.2); short protein forms N23K.
Identifiers: ClinVar variation 3716115 (VCV003716115.2).